The following is an entry in ClinVar:

NM_002087.4(GRN):c.751A>G (p.Thr251Ala)

Gene: GRN (granulin precursor; plus strand). Cytogenetic location: 17q21.31.
Variant type: single nucleotide variant.
Coding change: c.751A>G on transcript NM_002087.4 (MANE Select); coding-DNA position 751, A replaced by G.
Protein change: p.Thr251Ala; replaces threonine 251 with alanine.
Molecular consequence: missense variant.
Genome position (GRCh38, 1-based): chr17:44,351,079, A>G. VCF-style: chr17-44351079-A-G. GRCh37 (hg19) VCF-style: chr17-42428447-A-G.
Other names: short protein forms T251A.
Identifiers: ClinVar variation 3762043 (VCV003762043.2).

ClinVar aggregate classification (germline): Uncertain significance (1 of 4 stars; one submission).

Conditions:
Neuronal ceroid lipofuscinosis 11. Also called: GRN-Related Neuronal Ceroid-Lipofuscinosis. Identifiers: Orphanet 314629, Orphanet 79262, MedGen C3539123, MONDO:0013866, OMIM 614706.
GRN-related frontotemporal lobar degeneration with Tdp43 inclusions (FTD2). Also called: DEMENTIA, HEREDITARY DYSPHASIC DISINHIBITION; FRONTOTEMPORAL LOBAR DEGENERATION WITH UBIQUITIN-POSITIVE INCLUSIONS; FTLD-TDP, GRN-RELATED; GRN Frontotemporal Dementia; FRONTOTEMPORAL DEMENTIA WITH TDP43 INCLUSIONS, GRN-RELATED. Identifiers: Orphanet 100070, Orphanet 282, MedGen C1843792, MONDO:0011842, OMIM 607485. Disease mechanism: loss of function.

gnomAD v4.1: 3 of 1,613,832 alleles (0.00019%); highest among the groups gnomAD compares: Admixed American, 0.0017%; no homozygotes.

Submission:

Labcorp Genetics (formerly Invitae), Labcorp
Classification: Uncertain significance for Neuronal ceroid lipofuscinosis 11; GRN-related frontotemporal lobar degeneration with Tdp43 inclusions. Last evaluated: 2024-04-20. Review status: criteria provided, single submitter. Criteria: Invitae Variant Classification Sherloc (09022015). Collection method: clinical testing. Allele origin: germline.
Comment: This sequence change replaces threonine, which is neutral and polar, with alanine, which is neutral and non-polar, at codon 251 of the GRN protein (p.Thr251Ala). This variant is not present in population databases (gnomAD no frequency). This variant has not been reported in the literature in individuals affected with GRN-related conditions. Advanced modeling of protein sequence and biophysical properties (such as structural, functional, and spatial information, amino acid conservation, physicochemical variation, residue mobility, and thermodynamic stability) performed at Invitae indicates that this missense variant is expected to disrupt GRN protein function with a positive predictive value of 80%. In summary, the available evidence is currently insufficient to determine the role of this variant in disease. Therefore, it has been classified as a Variant of Uncertain Significance.